The following is an entry in ClinVar:

ClinVar aggregate classification (germline): Conflicting classifications of pathogenicity. Review status: criteria provided, conflicting classifications (1 of 4 stars). 7 submissions from 7 submitters: Uncertain significance (3); Likely benign (4). Last evaluated 2026-03-01.

Conditions:
Familial thoracic aortic aneurysm and aortic dissection (TAAD). Also called: Thoracic aortic aneurysms and dissections. Identifiers: Orphanet 91387, MedGen C4707243, MONDO:0019625.

Submissions (7):

CeGaT Center for Human Genetics Tuebingen
Classification: Likely benign. Last evaluated: 2026-03-01. Review status: criteria provided, single submitter. Criteria: CeGaT Center For Human Genetics Tuebingen Variant Classification Criteria Version 2. Collection method: clinical testing. Allele origin: germline. Affected: yes. Observed: 1 variant allele.
Comment: TGFBR1: PVS1:Moderate, PS4:Supporting, BS1

Labcorp Genetics (formerly Invitae), Labcorp
Classification: Uncertain significance for Familial thoracic aortic aneurysm and aortic dissection. Last evaluated: 2026-01-09. Review status: criteria provided, single submitter. Criteria: Invitae Variant Classification Sherloc (09022015). Collection method: clinical testing. Allele origin: germline.
Comment: This variant, c.73_78dup, results in the insertion of 2 amino acid(s) of the TGFBR1 protein (p.Ala25_Ala26dup), but otherwise preserves the integrity of the reading frame. The frequency data for this variant in the population databases is considered unreliable, as metrics indicate insufficient coverage at this position in the gnomAD database. This variant has not been reported in the literature in individuals affected with TGFBR1-related conditions. ClinVar contains an entry for this variant (Variation ID: 496264). Experimental studies and prediction algorithms are not available or were not evaluated, and the functional significance of this variant is currently unknown. In summary, the available evidence is currently insufficient to determine the role of this variant in disease. Therefore, it has been classified as a Variant of Uncertain Significance.

Blueprint Genetics
Classification: Likely benign. Last evaluated: 2024-07-23. Review status: criteria provided, single submitter. Criteria: ACMG Guidelines, 2015. Collection method: clinical testing. Allele origin: germline.

GeneDx
Classification: Likely benign. Last evaluated: 2024-07-23. Review status: criteria provided, single submitter. Criteria: GeneDx Variant Classification Process June 2021. Collection method: clinical testing. Allele origin: germline. Affected: yes.
Comment: See Variant Classification Assertion Criteria.

Ambry Genetics
Classification: Likely benign for Familial thoracic aortic aneurysm and aortic dissection. Last evaluated: 2023-02-21. Review status: criteria provided, single submitter. Criteria: Ambry Variant Classification Scheme 2023. Collection method: clinical testing. Allele origin: germline.

CHEO Genetics Diagnostic Laboratory, Children's Hospital of Eastern Ontario
Classification: Uncertain significance for Familial thoracic aortic aneurysm and aortic dissection. Last evaluated: 2018-07-13. Review status: criteria provided, single submitter. Criteria: ACMG Guidelines, 2015. Collection method: clinical testing. Allele origin: germline.

Women's Health and Genetics/Laboratory Corporation of America, LabCorp
Classification: Uncertain significance. Last evaluated: 2017-03-30. Review status: criteria provided, single submitter. Criteria: LabCorp Variant Classification Summary - May 2015. Collection method: clinical testing. Allele origin: germline.
Comment: Variant summary: The TGFBR1 c.73_78dupGCGGCG (p.Ala25_Ala26dup) variant involves the duplication of six nucleotides in a repetitive region. One in silico tools predicts a deleterious outcome for this variant. The frequency of this variant in population databases is not available due to lack of coverage or very low coverage of the chromosomal region. This variant was reported to be found in 1/2436 control chromosomes in the literature at a frequency of 0.0004105, which is approximately 263 times the estimated maximal expected allele frequency of a pathogenic TGFBR1 variant (0.0000016), suggesting this variant is possibly a benign polymorphism, although the allele number is very low. The variant of interest has not, to our knowledge, been reported in affected individuals via reputable databases/clinical diagnostic laboratories; nor evaluated for functional impact by in vivo/vitro studies. Taken together, this variant is classified as VUS-possibly benign until more evidence becomes available.

Literature cited by the submitters: PubMed 17848956 (cited by Women's Health and Genetics/Laboratory Corporation of America, LabCorp); PubMed 17575241 (cited by Women's Health and Genetics/Laboratory Corporation of America, LabCorp); PubMed 11606497 (cited by Women's Health and Genetics/Laboratory Corporation of America, LabCorp); PubMed 15505640 (cited by Women's Health and Genetics/Laboratory Corporation of America, LabCorp).

NM_004612.4(TGFBR1):c.52GCG[11] (p.Ala25_Ala26dup)

Gene: TGFBR1 (transforming growth factor beta receptor 1; plus strand). Cytogenetic location: 9q22.33.
Variant type: Microsatellite.
Coding change: c.52GCG[11] on transcript NM_004612.4 (MANE Select); 11 copies in a row of the 3-base unit GCG starting at c.52; the reference has nine copies in a row; two copies, 6 bases duplicated; also written c.73_78dup.
Protein change: p.Ala25_Ala26dup.
Molecular consequence: inframe insertion.
Genome position (GRCh38, 1-based): chr9:99,105,278-99,105,283, GCGGCG duplicated; duplicating any 6 consecutive bases within chr9:99,105,256-99,105,283 gives the same sequence; the position shown is the placement nearest the transcript's 3' end. VCF-style (leftmost placement, unchanged base first): chr9-99105255-T-TGGCGGC. GRCh37 (hg19) VCF-style: chr9-101867537-T-TGGCGGC.
Other names: c.73_78dup (NM_004612.2); c.52GCG[11], p.Ala25_Ala26dup (NM_001130916.3, NM_001306210.2).
Identifiers: ClinVar variation 496264 (VCV000496264.23), dbSNP rs11466445, ClinGen allele CA466433366.